The following is an entry in ClinVar:

ClinVar aggregate classification (germline): Uncertain significance (1 of 4 stars; one submission).

Conditions:
Noonan syndrome 9 (NS9). Identifiers: Orphanet 648, MedGen C4225282, MONDO:0014691, OMIM 616559.

Submission:

Labcorp Genetics (formerly Invitae), Labcorp
Classification: Uncertain significance for Noonan syndrome 9. Last evaluated: 2024-12-03. Review status: criteria provided, single submitter. Criteria: Invitae Variant Classification Sherloc (09022015). Collection method: clinical testing. Allele origin: germline.
Comment: This sequence change replaces valine, which is neutral and non-polar, with isoleucine, which is neutral and non-polar, at codon 1191 of the SOS2 protein (p.Val1191Ile). This variant is not present in population databases (gnomAD no frequency). This variant has not been reported in the literature in individuals affected with SOS2-related conditions. Invitae Evidence Modeling of protein sequence and biophysical properties (such as structural, functional, and spatial information, amino acid conservation, physicochemical variation, residue mobility, and thermodynamic stability) indicates that this missense variant is not expected to disrupt SOS2 protein function with a negative predictive value of 95%. In summary, the available evidence is currently insufficient to determine the role of this variant in disease. Therefore, it has been classified as a Variant of Uncertain Significance.

NM_006939.4(SOS2):c.3571G>A (p.Val1191Ile)

Gene: SOS2 (SOS Ras/Rho guanine nucleotide exchange factor 2; minus strand). Cytogenetic location: 14q21.3.
Variant type: single nucleotide variant.
Coding change: c.3571G>A on transcript NM_006939.4 (MANE Select); coding-DNA position 3571, G replaced by A.
Protein change: p.Val1191Ile; replaces valine 1191 with isoleucine.
Molecular consequence: missense variant.
Genome position (GRCh38, 1-based): chr14:50,118,772, C>T on the plus strand (G>A on the coding strand, the complement: SOS2 is on the minus strand). VCF-style: chr14-50118772-C-T. GRCh37 (hg19) VCF-style: chr14-50585490-C-T.
Other names: c.3472G>A, p.Val1158Ile (NM_001411020.1); short protein forms V1191I, V1158I.
Identifiers: ClinVar variation 3703617 (VCV003703617.2).